The following is an entry in ClinVar:

ClinVar aggregate classification (germline): Uncertain significance (1 of 4 stars; one submission).

Conditions:
Autosomal recessive severe congenital neutropenia due to G6PC3 deficiency. Also called: NEUTROPENIA, SEVERE CONGENITAL, 4, AUTOSOMAL RECESSIVE; G6PC3 Deficiency. Identifiers: Orphanet 331176, MedGen C2751630, MONDO:0012930, OMIM 612541.

Allele frequency attached by ClinVar (database versions not stated): gnomAD 0.00001; gnomAD exomes 0.00001.
gnomAD v4.1: 17 of 1,613,932 alleles (0.0011%); highest among the groups gnomAD compares: African/African-American, 0.0013%; no homozygotes.

Submission:

Labcorp Genetics (formerly Invitae), Labcorp
Classification: Uncertain significance for Autosomal recessive severe congenital neutropenia due to G6PC3 deficiency. Last evaluated: 2024-07-03. Review status: criteria provided, single submitter. Criteria: Invitae Variant Classification Sherloc (09022015). Collection method: clinical testing. Allele origin: germline.
Comment: This sequence change replaces leucine, which is neutral and non-polar, with proline, which is neutral and non-polar, at codon 129 of the G6PC3 protein (p.Leu129Pro). This variant is present in population databases (no rsID available, gnomAD 0.004%). This variant has not been reported in the literature in individuals affected with G6PC3-related conditions. ClinVar contains an entry for this variant (Variation ID: 2105901). Advanced modeling of protein sequence and biophysical properties (such as structural, functional, and spatial information, amino acid conservation, physicochemical variation, residue mobility, and thermodynamic stability) performed at Invitae indicates that this missense variant is expected to disrupt G6PC3 protein function with a positive predictive value of 80%. In summary, the available evidence is currently insufficient to determine the role of this variant in disease. Therefore, it has been classified as a Variant of Uncertain Significance.

NM_138387.4(G6PC3):c.386T>C (p.Leu129Pro)

Gene: G6PC3 (glucose-6-phosphatase catalytic subunit 3; plus strand). Cytogenetic location: 17q21.31.
Variant type: single nucleotide variant.
Coding change: c.386T>C on transcript NM_138387.4 (MANE Select); coding-DNA position 386, T replaced by C.
Protein change: p.Leu129Pro; replaces leucine 129 with proline.
Molecular consequence: missense variant.
Genome position (GRCh38, 1-based): chr17:44,074,740, T>C. VCF-style: chr17-44074740-T-C. GRCh37 (hg19) VCF-style: chr17-42152108-T-C.
Other names: c.386T>C, p.Leu129Pro (NM_001319945.2); c.41T>C, p.Leu14Pro (NM_001384165.1, NM_001384166.1, NM_001384167.1 and 1 more transcripts); short protein forms L14P, L129P.
Identifiers: ClinVar variation 2105901 (VCV002105901.3), dbSNP rs1280283104, ClinGen allele CA399726398.